The following is an entry in ClinVar:

NM_000088.4(COL1A1):c.2762_2769del (p.Glu921fs)

Gene: COL1A1 (collagen type I alpha 1 chain; minus strand). Cytogenetic location: 17q21.33.
Variant type: Deletion.
Coding change: c.2762_2769del on transcript NM_000088.4 (MANE Select); coding-DNA positions 2762 to 2769, 8 bases deleted (AAGTTGGT; older notation c.2762_2769delAAGTTGGT).
Protein change: p.Glu921fs; shifts the reading frame from glutamic acid 921.
Molecular consequence: frameshift variant.
Genome position (GRCh38, 1-based): chr17:50,189,437-50,189,444, ACCAACTT deleted on the plus strand (AAGTTGGT on the coding strand, the reverse complement: COL1A1 is on the minus strand). VCF-style (leftmost placement, unchanged base first): chr17-50189436-GACCAACTT-G. GRCh37 (hg19) VCF-style: chr17-48266797-GACCAACTT-G.
Other names: c.2762_2769del8 (NM_000088.3); short protein forms E921fs.
Identifiers: ClinVar variation 3356810 (VCV003356810.1).

ClinVar aggregate classification (germline): Pathogenic (0 of 4 stars; one submission).

Conditions:
COL1A1-related disorder. Also called: COL1A1- related disease; COL1A1-related condition.

Submission:

PreventionGenetics, part of Exact Sciences
Classification: Pathogenic for COL1A1-related condition. Last evaluated: 2024-04-24. Review status: no assertion criteria provided. Collection method: clinical testing. Allele origin: germline.
Comment: The COL1A1 c.2762_2769del8 variant is predicted to result in a frameshift and premature protein termination (p.Glu921Alafs*17). To our knowledge, this variant has not been reported in the literature or in a large population database, indicating this variant is rare. Frameshift variants in COL1A1 are expected to be pathogenic. This variant is interpreted as pathogenic.